The following is an entry in ClinVar:

NM_001394062.1(MACF1):c.17492C>A (p.Ser5831Ter)

Gene: MACF1 (microtubule actin crosslinking factor 1; plus strand). Cytogenetic location: 1p34.3.
Variant type: single nucleotide variant.
Coding change: c.17492C>A on transcript NM_001394062.1 (MANE Select); coding-DNA position 17492, C replaced by A.
Protein change: p.Ser5831Ter; replaces serine 5831 with a stop codon.
Molecular consequence: nonsense.
Genome position (GRCh38, 1-based): chr1:39,433,082, C>A. VCF-style: chr1-39433082-C-A. GRCh37 (hg19) VCF-style: chr1-39898754-C-A.
Other names: c.5561C>A, p.Ser1854Ter (NM_001397473.1); c.11306C>A, p.Ser3769Ter (NM_012090.5); short protein forms S1854*, S3769*, S5831*.
Identifiers: ClinVar variation 2443530 (VCV002443530.1), dbSNP rs2523083903, ClinGen allele CA339803539.

ClinVar aggregate classification (germline): Uncertain significance (1 of 4 stars; one submission).

Allele frequency attached by ClinVar (database versions not stated): gnomAD exomes below 0.00001.
gnomAD v4.1: 1 of 1,612,044 alleles (0.000062%); highest among the groups gnomAD compares: South Asian, 0.0011%; no homozygotes.

Submission:

GeneDx
Classification: Uncertain significance. Last evaluated: 2022-09-09. Review status: criteria provided, single submitter. Criteria: GeneDx Variant Classification Process June 2021. Collection method: clinical testing. Allele origin: germline. Affected: yes.
Comment: Not observed at significant frequency in large population cohorts (gnomAD); Nonsense variant predicted to result in protein truncation or nonsense mediated decay in a gene or region of a gene for which loss of function is not a well-established mechanism of disease; Has not been previously published as pathogenic or benign to our knowledge